The following is an entry in ClinVar:

ClinVar aggregate classification (germline): Uncertain significance. Review status: criteria provided, multiple submitters, no conflicts (2 of 4 stars). 3 submissions from 3 submitters: Uncertain significance (2). 1 of the submissions does not count toward it. Last evaluated 2025-08-23.

Conditions:
CENPF-related disorder. Also called: CENPF-related condition.
Inborn genetic diseases. Identifiers: MedGen C0950123, MeSH D030342.

Allele frequency attached by ClinVar (database versions not stated): ExAC 0.00007; gnomAD exomes 0.00009 and 0.00016; gnomAD 0.00011; TOPMed 0.00014.
gnomAD v4.1: 223 of 1,496,282 alleles (0.015%); highest among the groups gnomAD compares: Non-Finnish European, 0.019%; no homozygotes.

Submissions (3):

Ambry Genetics
Classification: Uncertain significance for Inborn genetic diseases. Last evaluated: 2025-08-23. Review status: criteria provided, single submitter. Criteria: Ambry Variant Classification Scheme 2023. Collection method: clinical testing. Allele origin: germline.

Labcorp Genetics (formerly Invitae), Labcorp
Classification: Uncertain significance. Last evaluated: 2021-07-27. Review status: criteria provided, single submitter. Criteria: Invitae Variant Classification Sherloc (09022015). Collection method: clinical testing. Allele origin: germline.
Comment: In summary, the available evidence is currently insufficient to determine the role of this variant in disease. Therefore, it has been classified as a Variant of Uncertain Significance. Algorithms developed to predict the effect of missense changes on protein structure and function are either unavailable or do not agree on the potential impact of this missense change (SIFT: "Deleterious"; PolyPhen-2: "Benign"; Align-GVGD: "Class C25"). This variant has not been reported in the literature in individuals affected with CENPF-related conditions. This variant is present in population databases (rs143280998, ExAC 0.01%). This sequence change replaces lysine with arginine at codon 529 of the CENPF protein (p.Lys529Arg). The lysine residue is highly conserved and there is a small physicochemical difference between lysine and arginine.

PreventionGenetics, part of Exact Sciences
Classification: Uncertain significance for CENPF-related condition. Last evaluated: 2024-07-21. Review status: no assertion criteria provided. Collection method: clinical testing. Allele origin: germline. Not counted in ClinVar's aggregate classification.
Comment: The CENPF c.1586A>G variant is predicted to result in the amino acid substitution p.Lys529Arg. To our knowledge, this variant has not been reported in the literature. This variant is reported in 0.021% of alleles in individuals of European (Non-Finnish) descent in gnomAD. At this time, the clinical significance of this variant is uncertain due to the absence of conclusive functional and genetic evidence.

NM_016343.4(CENPF):c.1586A>G (p.Lys529Arg)

Gene: CENPF (centromere protein F; plus strand). Cytogenetic location: 1q41.
Variant type: single nucleotide variant.
Coding change: c.1586A>G on transcript NM_016343.4 (MANE Select); coding-DNA position 1586, A replaced by G.
Protein change: p.Lys529Arg; replaces lysine 529 with arginine.
Molecular consequence: missense variant.
Genome position (GRCh38, 1-based): chr1:214,639,924, A>G. VCF-style: chr1-214639924-A-G. GRCh37 (hg19) VCF-style: chr1-214813267-A-G.
Other names: c.1586A>G (NM_016343.3); short protein forms K529R.
Identifiers: ClinVar variation 1504494 (VCV001504494.11), dbSNP rs143280998, ClinGen allele CA1390122.
Genomic context (GRCh38, chr1:214,639,924, plus strand): 5'-TTCTGTAGAATAAACATTTATTACAAACATTGACGACTTTTATTTATTTTTAAATAGCGA[A>G]GAATACCTCTCAGGAAACCATGTTAAGAGATCTTCAAGAAAAAATAAATCAGCAAGAAAA-3'
Protein context (NP_057427.3, residues 519-539): SQNFAEEMKA[Lys529Arg]NTSQETMLRD